The following is an entry in ClinVar:

NM_001085487.3(MYSM1):c.598T>C (p.Cys200Arg)

Gene: MYSM1 (Myb like, SWIRM and MPN domains 1; minus strand). Cytogenetic location: 1p32.1.
Variant type: single nucleotide variant.
Coding change: c.598T>C on transcript NM_001085487.3 (MANE Select); coding-DNA position 598, T replaced by C.
Protein change: p.Cys200Arg; replaces cysteine 200 with arginine.
Molecular consequence: missense variant.
Genome position (GRCh38, 1-based): chr1:58,682,446, A>G on the plus strand (T>C on the coding strand, the complement: MYSM1 is on the minus strand). VCF-style: chr1-58682446-A-G. GRCh37 (hg19) VCF-style: chr1-59148118-A-G.
Other names: short protein forms C200R.
Identifiers: ClinVar variation 2193615 (VCV002193615.4), dbSNP rs17118103, ClinGen allele CA877977.
Genomic context (GRCh38, chr1:58,682,446, plus strand): 5'-CATCAGATAACTTTTCAATTTTTACAGCATTCAAGTTGGGATCAGCACGTCCCCTTAAAC[A>G]TGATGGTGTCCATGCCTTTGTCCCTTTATCTTCATTTTTAACTTGAAGATTATGGCCGGT-3'
Protein context (NP_001078956.1, residues 190-210): DKGTKAWTPS[Cys200Arg]LRGRADPNLN

ClinVar aggregate classification (germline): Uncertain significance (1 of 4 stars; one submission).

Submission:

Labcorp Genetics (formerly Invitae), Labcorp
Classification: Uncertain significance. Last evaluated: 2022-04-01. Review status: criteria provided, single submitter. Criteria: Invitae Variant Classification Sherloc (09022015). Collection method: clinical testing. Allele origin: germline.
Comment: This variant has not been reported in the literature in individuals affected with MYSM1-related conditions. This variant is not present in population databases (gnomAD no frequency). This sequence change replaces cysteine, which is neutral and slightly polar, with arginine, which is basic and polar, at codon 200 of the MYSM1 protein (p.Cys200Arg). In summary, the available evidence is currently insufficient to determine the role of this variant in disease. Therefore, it has been classified as a Variant of Uncertain Significance. Algorithms developed to predict the effect of missense changes on protein structure and function (SIFT, PolyPhen-2, Align-GVGD) all suggest that this variant is likely to be tolerated.